The following is an entry in ClinVar:

ClinVar aggregate classification (germline): Uncertain significance (1 of 4 stars; one submission).

gnomAD v4.1: 5 of 1,525,800 alleles (0.00033%); highest among the groups gnomAD compares: East Asian, 0.008%; no homozygotes.

Submission:

Labcorp Genetics (formerly Invitae), Labcorp
Classification: Uncertain significance. Last evaluated: 2025-03-27. Review status: criteria provided, single submitter. Criteria: Invitae Variant Classification Sherloc (09022015). Collection method: clinical testing. Allele origin: germline.
Comment: This sequence change replaces cysteine, which is neutral and slightly polar, with tyrosine, which is neutral and polar, at codon 38 of the ITM2B protein (p.Cys38Tyr). This variant is not present in population databases (gnomAD no frequency). This variant has not been reported in the literature in individuals affected with ITM2B-related conditions. An algorithm developed to predict the effect of missense changes on protein structure and function (PolyPhen-2) suggests that this variant is likely to be tolerated. In summary, the available evidence is currently insufficient to determine the role of this variant in disease. Therefore, it has been classified as a Variant of Uncertain Significance.

NM_021999.5(ITM2B):c.113G>A (p.Cys38Tyr)

Genes: ITM2B (integral membrane protein 2B; plus strand), LOC130009752 (ATAC-STARR-seq lymphoblastoid silent region 5332; plus strand). Cytogenetic location: 13q14.2.
Variant type: single nucleotide variant.
Coding change: c.113G>A on transcript NM_021999.5 (MANE Select); coding-DNA position 113, G replaced by A.
Protein change: p.Cys38Tyr; replaces cysteine 38 with tyrosine.
Molecular consequence: missense variant.
Genome position (GRCh38, 1-based): chr13:48,233,473, G>A. VCF-style: chr13-48233473-G-A. GRCh37 (hg19) VCF-style: chr13-48807609-G-A.
Other names: short protein forms C38Y.
Identifiers: ClinVar variation 4776810 (VCV004776810.1).